The following is an entry in ClinVar:

Conditions:
Breast-ovarian cancer, familial, susceptibility to, 1 (BROVCA1). Also called: BRCA1 Hereditary Breast and Ovarian Cancer; OVARIAN CANCER, SUSCEPTIBILITY TO. Identifiers: Orphanet 145, MedGen C2676676, MONDO:0011450, OMIM 604370. Disease mechanism: loss of function.

Submission:

Brotman Baty Institute, University of Washington
No classification provided (evidence only). Condition: Breast-ovarian cancer, familial 1. Review status: no classification provided. Collection method: in vitro. Allele origin: not applicable. Functional consequence: function_uncertain_variant.
ClinVar note: "not provided" was previously submitted as the classification for the variant. However, the classification appeared to be based only on an observation of functional data so it was converted to no classification on 2025-07-30.

NM_007294.4(BRCA1):c.5520C>A (p.Asp1840Glu)

Gene: BRCA1 (BRCA1 DNA repair associated; minus strand). Cytogenetic location: 17q21.31.
Variant type: single nucleotide variant.
Coding change: c.5520C>A on transcript NM_007294.4 (MANE Select); coding-DNA position 5520, C replaced by A.
Protein change: p.Asp1840Glu; replaces aspartic acid 1840 with glutamic acid.
Molecular consequence: missense variant. On other transcripts: 3 prime UTR variant (1), non-coding transcript variant (1).
Genome position (GRCh38, 1-based): chr17:43,045,750, G>T on the plus strand (C>A on the coding strand, the complement: BRCA1 is on the minus strand). VCF-style: chr17-43045750-G-T. GRCh37 (hg19) VCF-style: chr17-41197767-G-T.
Other names: c.5307C>A, p.Asp1769Glu (NM_001407897.1, NM_001407898.1, NM_001407899.1 and 12 more transcripts); c.1998C>A, p.Asp666Glu (NM_001408490.1, NM_001408491.1, NM_001408481.1 and 5 more transcripts); c.1995C>A, p.Asp665Glu (NM_001408492.1, NM_001408493.1); c.1971C>A, p.Asp657Glu (NM_001408494.1); c.1965C>A, p.Asp655Glu (NM_001408495.1); c.1947C>A, p.Asp649Glu (NM_001408496.1, NM_001408497.1, NM_001408498.1 and 3 more transcripts); c.5520C>A, p.Asp1840Glu (NM_001407598.1, NM_001407602.1, NM_001407603.1 and 5 more transcripts); c.5517C>A, p.Asp1839Glu (NM_001407610.1, NM_001407611.1, NM_001407612.1 and 14 more transcripts); and 74 more; short protein forms D736E, D1840E, D1861E, D1793E, D560E, D610E, D624E, D670E.
Identifiers: ClinVar variation 868614 (VCV000868614.3), dbSNP rs2050873874, ClinGen allele CA10590279.